The following is an entry in ClinVar:

NM_001204.6(BMPR2):c.(?_-1)_(*1_?)del

Genes: BMPR2 (bone morphogenetic protein receptor type 2; plus strand), LOC129935435 (ATAC-STARR-seq lymphoblastoid active region 17001; plus strand), LOC129935436 (ATAC-STARR-seq lymphoblastoid silent region 12245; plus strand). Cytogenetic location: 2q33.1-33.2.
Variant type: Deletion.
Coding change: c.(?_-1)_(*1_?)del on transcript NM_001204.6; a large deletion whose breakpoints are not mapped to the base.
Other names: c.1-?_3117+?del (NM_001204.6); c.(?_-1)_(*1_?)del (LRG_712t1).
Identifiers: ClinVar variation 425675 (VCV000425675.1).

ClinVar aggregate classification (germline): Pathogenic (0 of 4 stars; one submission).

Conditions:
Pulmonary hypertension, primary, 1 (PPH1). Also called: Pulmonary hypertension, familial primary, 1, with or without HHT. Identifiers: Orphanet 422, MedGen C4552070, MONDO:0024533, OMIM 178600.

Submission:

Rare Disease Genomics Group, St George's University of London
Classification: Pathogenic for Primary pulmonary hypertension. Review status: no assertion criteria provided. Collection method: literature only. Allele origin: germline. Affected: yes.
Comment: Deletion of exons 1-13

Literature cited by the submitters: PubMed 16429403; PubMed 18356561.